The following is an entry in ClinVar:

ClinVar aggregate classification (germline): Uncertain significance (1 of 4 stars; one submission).

gnomAD v4.1: 19 of 1,613,630 alleles (0.0012%); highest among the groups gnomAD compares: African/African-American, 0.0027%; no homozygotes.

Submission:

Mayo Clinic Laboratories, Mayo Clinic
Classification: Uncertain significance. Last evaluated: 2025-08-07. Review status: criteria provided, single submitter. Criteria: ACMG Guidelines, 2015. Collection method: clinical testing. Allele origin: germline. Observed: 1 variant allele.
Comment: PM2_supporting

NM_001122764.3(PPOX):c.16G>C (p.Val6Leu)

Gene: PPOX (protoporphyrinogen oxidase; plus strand). Cytogenetic location: 1q23.3.
Variant type: single nucleotide variant.
Coding change: c.16G>C on transcript NM_001122764.3 (MANE Select); coding-DNA position 16, G replaced by C.
Protein change: p.Val6Leu; replaces valine 6 with leucine.
Molecular consequence: missense variant. On other transcripts: 5 prime UTR variant (5).
Genome position (GRCh38, 1-based): chr1:161,166,863, G>C. VCF-style: chr1-161166863-G-C. GRCh37 (hg19) VCF-style: chr1-161136653-G-C.
Other names: p.Val6Leu; c.16G>C, p.Val6Leu (NM_001365399.1, NM_000309.5, NM_001350128.2 and 1 more transcripts); c.-296G>C (NM_001365400.1); c.-355G>C (NM_001365401.1); c.-412G>C (NM_001350129.2); c.-503G>C (NM_001350130.2); c.-389G>C (NM_001350131.2); short protein forms V6L.
Identifiers: ClinVar variation 4541803 (VCV004541803.1).